The following is an entry in ClinVar:

NM_001999.4(FBN2):c.3446G>C (p.Gly1149Ala)

Gene: FBN2 (fibrillin 2; minus strand). Cytogenetic location: 5q23.3.
Variant type: single nucleotide variant.
Coding change: c.3446G>C on transcript NM_001999.4 (MANE Select); coding-DNA position 3446, G replaced by C.
Protein change: p.Gly1149Ala; replaces glycine 1149 with alanine.
Molecular consequence: missense variant.
Genome position (GRCh38, 1-based): chr5:128,338,959, C>G on the plus strand (G>C on the coding strand, the complement: FBN2 is on the minus strand). VCF-style: chr5-128338959-C-G. GRCh37 (hg19) VCF-style: chr5-127674651-C-G.
Other names: short protein forms G1149A.
Identifiers: ClinVar variation 2813872 (VCV002813872.3), dbSNP rs2479811687, ClinGen allele CA360759853.

ClinVar aggregate classification (germline): Uncertain significance (1 of 4 stars; one submission).

Conditions:
Congenital contractural arachnodactyly (CCA). Also called: Arthrogryposis, distal, type 9; BEALS SYNDROME; Beals-Hecht syndrome. Identifiers: Orphanet 115, MedGen C0220668, MONDO:0007363, OMIM 121050.

Allele frequency attached by ClinVar (database versions not stated): gnomAD exomes below 0.00001.
gnomAD v4.1: 1 of 1,614,060 alleles (0.000062%); highest among the groups gnomAD compares: Non-Finnish European, 0.000085%; no homozygotes.

Submission:

Labcorp Genetics (formerly Invitae), Labcorp
Classification: Uncertain significance for Congenital contractural arachnodactyly. Last evaluated: 2022-11-12. Review status: criteria provided, single submitter. Criteria: Invitae Variant Classification Sherloc (09022015). Collection method: clinical testing. Allele origin: germline.
Comment: In summary, the available evidence is currently insufficient to determine the role of this variant in disease. Therefore, it has been classified as a Variant of Uncertain Significance. Algorithms developed to predict the effect of missense changes on protein structure and function (SIFT, PolyPhen-2, Align-GVGD) all suggest that this variant is likely to be disruptive. This variant has not been reported in the literature in individuals affected with FBN2-related conditions. This variant is not present in population databases (gnomAD no frequency). This sequence change replaces glycine, which is neutral and non-polar, with alanine, which is neutral and non-polar, at codon 1149 of the FBN2 protein (p.Gly1149Ala).